The following is an entry in ClinVar:

ClinVar aggregate classification (germline): Conflicting classifications of pathogenicity. Review status: criteria provided, conflicting classifications (1 of 4 stars). 3 submissions from 3 submitters: Uncertain significance (1); Likely benign (1). 1 of the submissions does not count toward it. Last evaluated 2024-10-16.

Conditions:
TRIM32-related disorder. Also called: TRIM32-related condition.
Bardet-Biedl syndrome (BBS). Identifiers: Orphanet 110, MedGen C0752166, MONDO:0015229.

Allele frequency attached by ClinVar (database versions not stated): gnomAD exomes below 0.00001; TOPMed below 0.00001.
gnomAD v4.1: 1 of 1,614,080 alleles (0.000062%); highest among the groups gnomAD compares: Non-Finnish European, 0.000085%; no homozygotes.

Submissions (3):

Labcorp Genetics (formerly Invitae), Labcorp
Classification: Likely benign for Bardet-Biedl syndrome. Last evaluated: 2024-10-16. Review status: criteria provided, single submitter. Criteria: Invitae Variant Classification Sherloc (09022015). Collection method: clinical testing. Allele origin: germline.

Eurofins Ntd Llc (ga)
Classification: Uncertain significance. Last evaluated: 2015-09-08. Review status: criteria provided, single submitter. Criteria: EGL Classification Definitions 2015. Collection method: clinical testing. Allele origin: germline. Observed: 1 variant allele, 1 heterozygote.

PreventionGenetics, part of Exact Sciences
Classification: Likely benign for TRIM32-related condition. Last evaluated: 2024-05-10. Review status: no assertion criteria provided. Collection method: clinical testing. Allele origin: germline. Not counted in ClinVar's aggregate classification.
Comment: This variant is classified as likely benign based on ACMG/AMP sequence variant interpretation guidelines (Richards et al. 2015 PMID: 25741868, with internal and published modifications).

NM_012210.4(TRIM32):c.319C>T (p.Leu107=)

Genes: ASTN2 (astrotactin 2; minus strand), TRIM32 (tripartite motif containing 32; plus strand). Cytogenetic location: 9q33.1.
Variant type: single nucleotide variant.
Coding change: c.319C>T on transcript NM_012210.4 (MANE Select); coding-DNA position 319, C replaced by T.
Protein change: p.Leu107=; no amino-acid change (leucine 107 retained).
Molecular consequence: synonymous variant. On other transcripts: intron variant (3).
Genome position (GRCh38, 1-based): chr9:116,698,061, C>T. VCF-style: chr9-116698061-C-T. GRCh37 (hg19) VCF-style: chr9-119460340-C-T.
Other names: c.319C>T, p.Leu107= (NM_001099679.2, NM_001379048.1, NM_001379049.1 and 1 more transcripts); c.2653+27710G>A (NM_014010.5); c.2794+27710G>A (NM_001365069.1); c.2806+27710G>A (NM_001365068.1).
Identifiers: ClinVar variation 282492 (VCV000282492.14), dbSNP rs886042410, ClinGen allele CA10604198.